The following is an entry in ClinVar:

ClinVar aggregate classification (germline): Uncertain significance (1 of 4 stars; one submission).

Allele frequency attached by ClinVar (database versions not stated): gnomAD 0.00004; TOPMed 0.00008; gnomAD exomes 0.00009 and 0.00011; ExAC 0.00010; ESP Exome Variant Server 0.00015.
gnomAD v4.1: 169 of 1,613,998 alleles (0.01%); highest among the groups gnomAD compares: Non-Finnish European, 0.013%; no homozygotes.

Submission:

Labcorp Genetics (formerly Invitae), Labcorp
Classification: Uncertain significance. Last evaluated: 2025-06-08. Review status: criteria provided, single submitter. Criteria: Invitae Variant Classification Sherloc (09022015). Collection method: clinical testing. Allele origin: germline.
Comment: This sequence change replaces arginine, which is basic and polar, with glutamine, which is neutral and polar, at codon 759 of the COPB2 protein (p.Arg759Gln). This variant is present in population databases (rs376670841, gnomAD 0.01%). This variant has not been reported in the literature in individuals affected with COPB2-related conditions. ClinVar contains an entry for this variant (Variation ID: 1510925). An algorithm developed to predict the effect of missense changes on protein structure and function (PolyPhen-2) suggests that this variant is likely to be disruptive. In summary, the available evidence is currently insufficient to determine the role of this variant in disease. Therefore, it has been classified as a Variant of Uncertain Significance.

NM_004766.3(COPB2):c.2276G>A (p.Arg759Gln)

Gene: COPB2 (coat protein complex I subunit beta 2; minus strand). Cytogenetic location: 3q23.
Variant type: single nucleotide variant.
Coding change: c.2276G>A on transcript NM_004766.3 (MANE Select); coding-DNA position 2276, G replaced by A.
Protein change: p.Arg759Gln; replaces arginine 759 with glutamine.
Molecular consequence: missense variant. On other transcripts: non-coding transcript variant (1).
Genome position (GRCh38, 1-based): chr3:139,359,297, C>T on the plus strand (G>A on the coding strand, the complement: COPB2 is on the minus strand). VCF-style: chr3-139359297-C-T. GRCh37 (hg19) VCF-style: chr3-139078139-C-T.
Other names: short protein forms R759Q.
Identifiers: ClinVar variation 1510925 (VCV001510925.6), dbSNP rs376670841, ClinGen allele CA2641107.